The following is an entry in ClinVar:

NM_000441.2(SLC26A4):c.774_795del (p.Glu259fs)

Gene: SLC26A4 (solute carrier family 26 member 4; plus strand). Cytogenetic location: 7q22.3.
Variant type: Deletion.
Coding change: c.774_795del on transcript NM_000441.2 (MANE Select); coding-DNA positions 774 to 795, 22 bases deleted (TGAGATTTTTCAAAATATTGGT).
Protein change: p.Glu259fs; shifts the reading frame from glutamic acid 259.
Molecular consequence: frameshift variant.
Genome position (GRCh38, 1-based): chr7:107,683,210-107,683,231, TGAGATTTTTCAAAATATTGGT deleted; deleting any 22 consecutive bases within chr7:107,683,206-107,683,231 gives the same sequence; the c. name uses the placement nearest the transcript's 3' end. VCF-style (leftmost placement, unchanged base first): chr7-107683205-CTGGTTGAGATTTTTCAAAATAT-C. GRCh37 (hg19) VCF-style: chr7-107323650-CTGGTTGAGATTTTTCAAAATAT-C.
Other names: c.774_795del (NM_000441.1); short protein forms E259fs.
Identifiers: ClinVar variation 2126902 (VCV002126902.6), dbSNP rs2535310006, ClinGen allele CA2580076157.
Genomic context (GRCh38, chr7:107,683,205, plus strand): 5'-TGTGTGCTCGTGTGCGTGTAGCAGCAGGAAGTATATAAAATTATTTTCTTTTTATAGACG[CTGGTTGAGATTTTTCAAAATAT>C]TGGTGATACCAATCTTGCTGATTTCACTGCTGGATTGCTCACCATTGTCGTCTGTATGGC-3'

ClinVar aggregate classification (germline): Pathogenic/Likely pathogenic. Review status: criteria provided, multiple submitters, no conflicts (2 of 4 stars). 2 submissions from 2 submitters: Pathogenic (1); Likely pathogenic (1). Last evaluated 2025-05-12.

Conditions:
Pendred syndrome (PDS). Also called: Pendred Syndrome (PDS); THYROID DYSHORMONOGENESIS 2B; THYROID HORMONOGENESIS, GENETIC DEFECT IN, 2B; DEAFNESS WITH GOITER; GOITER-DEAFNESS SYNDROME; HYPOTHYROIDISM, CONGENITAL, DUE TO DYSHORMONOGENESIS, 2B. Identifiers: Orphanet 705, MedGen C0271829, MONDO:0010134, OMIM 274600.

Submissions (2):

Natera, Inc.
Classification: Likely pathogenic for Pendred syndrome. Last evaluated: 2025-05-12. Review status: criteria provided, single submitter. Criteria: Natera Variant Classification Schema (03/2026). Collection method: clinical testing. Allele origin: germline.
Comment: The c.774_795del variant in SLC26A4 is a frameshift variant predicted to shift the reading frame beginning at codon 259 and leads to a stop codon 23 codons downstream. This variant is expected to result in nonsense mediated decay, truncation, or a dysfunctional protein product. This variant is rare in the general population with a frequency below the threshold expected for the associated phenotype(s). Given the available evidence, this variant is classified as Likely Pathogenic.

Labcorp Genetics (formerly Invitae), Labcorp
Classification: Pathogenic. Last evaluated: 2022-04-16. Review status: criteria provided, single submitter. Criteria: Invitae Variant Classification Sherloc (09022015). Collection method: clinical testing. Allele origin: germline.
Comment: This sequence change creates a premature translational stop signal (p.Glu259Ilefs*23) in the SLC26A4 gene. It is expected to result in an absent or disrupted protein product. Loss-of-function variants in SLC26A4 are known to be pathogenic (PMID: 16283880, 25394566, 26252218, 26445815). For these reasons, this variant has been classified as Pathogenic. This variant has not been reported in the literature in individuals affected with SLC26A4-related conditions. This variant is not present in population databases (gnomAD no frequency).

Literature cited by the submitters: PubMed 16283880 (cited by Labcorp Genetics (formerly Invitae), Labcorp); PubMed 25394566 (cited by Labcorp Genetics (formerly Invitae), Labcorp); PubMed 26252218 (cited by Labcorp Genetics (formerly Invitae), Labcorp); PubMed 26445815 (cited by Labcorp Genetics (formerly Invitae), Labcorp).